The following is an entry in ClinVar:

ClinVar aggregate classification (germline): Benign/Likely benign. Review status: criteria provided, multiple submitters, no conflicts (2 of 4 stars). 3 submissions from 3 submitters: Benign (1); Likely benign (2). Last evaluated 2026-04-21.

Conditions:
DICER1-related tumor predisposition. Also called: DICER1-related pleuropulmonary blastoma cancer predisposition syndrome; DICER1 syndrome. Identifiers: Orphanet 284343, MedGen C3839822, MONDO:0100216.
Hereditary cancer-predisposing syndrome. Also called: Hereditary neoplastic syndrome; Neoplastic Syndromes, Hereditary; Hereditary Cancer Syndrome; Tumor predisposition. Identifiers: Orphanet 140162, MedGen C0027672, MeSH D009386, MONDO:0015356.

Allele frequency attached by ClinVar (database versions not stated): gnomAD exomes below 0.00001; TOPMed below 0.00001.
gnomAD v4.1: 1 of 1,614,194 alleles (0.000062%); highest among the groups gnomAD compares: Non-Finnish European, 0.000085%; no homozygotes.

Submissions (3):

Myriad Genetics, Inc.
Classification: Benign for DICER1-related tumor predisposition. Last evaluated: 2026-04-21. Review status: criteria provided, single submitter. Criteria: Myriad Autosomal Dominant, Autosomal Recessive and X-Linked Classification Criteria (2023). Collection method: clinical testing. Allele origin: unknown.
Comment: This variant is considered benign. This variant is a silent/synonymous amino acid change and it is not expected to impact splicing.

Labcorp Genetics (formerly Invitae), Labcorp
Classification: Likely benign for DICER1-related tumor predisposition. Last evaluated: 2023-08-30. Review status: criteria provided, single submitter. Criteria: Invitae Variant Classification Sherloc (09022015). Collection method: clinical testing. Allele origin: germline.

Ambry Genetics
Classification: Likely benign for Hereditary cancer-predisposing syndrome. Last evaluated: 2020-01-02. Review status: criteria provided, single submitter. Criteria: Ambry Variant Classification Scheme 2023. Collection method: clinical testing. Allele origin: germline.

NM_177438.3(DICER1):c.5520A>G (p.Pro1840=)

Gene: DICER1 (dicer 1, ribonuclease III; minus strand). Cytogenetic location: 14q32.13.
Variant type: single nucleotide variant.
Coding change: c.5520A>G on transcript NM_177438.3 (MANE Select); coding-DNA position 5520, A replaced by G.
Protein change: p.Pro1840=; no amino-acid change (proline 1840 retained).
Molecular consequence: synonymous variant. On other transcripts: intron variant (1).
Genome position (GRCh38, 1-based): chr14:95,091,210, T>C on the plus strand (A>G on the coding strand, the complement: DICER1 is on the minus strand). VCF-style: chr14-95091210-T-C. GRCh37 (hg19) VCF-style: chr14-95557547-T-C.
Other names: c.5520A>G, p.Pro1840= (NM_001271282.3, NM_001291628.2, NM_030621.4); c.5365-101A>G (NM_001195573.1).
Identifiers: ClinVar variation 242138 (VCV000242138.14), dbSNP rs878855275, ClinGen allele CA10583184.